The following is an entry in ClinVar:

ClinVar aggregate classification (germline): Pathogenic. Review status: criteria provided, multiple submitters, no conflicts (2 of 4 stars). 3 submissions from 3 submitters: Pathogenic (2). 1 of the submissions does not count toward it. Last evaluated 2025-06-27.

Conditions:
Cohen syndrome (COH1). Also called: Cutis verticis gyrata, retinitis pigmentosa, and sensorineural deafness; PEPPER SYNDROME. Identifiers: Orphanet 193, MedGen C0265223, MONDO:0008999, OMIM 216550.

Allele frequency attached by ClinVar (database versions not stated): gnomAD exomes below 0.00001 and 0.00001; TOPMed below 0.00001.
gnomAD v4.1: 5 of 1,614,078 alleles (0.00031%); highest among the groups gnomAD compares: South Asian, 0.0044%; no homozygotes.

Submissions (3):

Labcorp Genetics (formerly Invitae), Labcorp
Classification: Pathogenic for Cohen syndrome. Last evaluated: 2025-06-27. Review status: criteria provided, single submitter. Criteria: Invitae Variant Classification Sherloc (09022015). Collection method: clinical testing. Allele origin: germline.
Comment: This sequence change creates a premature translational stop signal (p.Gln1864*) in the VPS13B gene. It is expected to result in an absent or disrupted protein product. Loss-of-function variants in VPS13B are known to be pathogenic (PMID: 15141358, 16648375, 20461111). This variant is present in population databases (no rsID available, gnomAD 0.006%). This premature translational stop signal has been observed in individual(s) with Cohen syndrome (PMID: 20683995). ClinVar contains an entry for this variant (Variation ID: 370619). For these reasons, this variant has been classified as Pathogenic.

GeneDx
Classification: Pathogenic. Last evaluated: 2023-08-28. Review status: criteria provided, single submitter. Criteria: GeneDx Variant Classification Process June 2021. Collection method: clinical testing. Allele origin: germline. Affected: yes.
Comment: Nonsense variant predicted to result in protein truncation or nonsense mediated decay in a gene for which loss of function is a known mechanism of disease; Not observed at significant frequency in large population cohorts (gnomAD); This variant is associated with the following publications: (PMID: 25525159, 20683995, 27457812)

Counsyl
Classification: Likely pathogenic for Cohen syndrome. Last evaluated: 2016-03-11. Review status: no assertion criteria provided. Collection method: clinical testing. Allele origin: unknown. Not counted in ClinVar's aggregate classification.

Literature cited by the submitters: PubMed 15141358 (cited by Labcorp Genetics (formerly Invitae), Labcorp); PubMed 16648375 (cited by Labcorp Genetics (formerly Invitae), Labcorp); PubMed 20461111 (cited by Labcorp Genetics (formerly Invitae), Labcorp); PubMed 20683995 (cited by Labcorp Genetics (formerly Invitae), Labcorp and Counsyl).

NM_152564.5(VPS13B):c.5515C>T (p.Gln1839Ter)

Gene: VPS13B (vacuolar protein sorting 13 homolog B; plus strand). Cytogenetic location: 8q22.2.
Variant type: single nucleotide variant.
Coding change: c.5515C>T on transcript NM_152564.5 (MANE Select); coding-DNA position 5515, C replaced by T.
Protein change: p.Gln1839Ter; replaces glutamine 1839 with a stop codon.
Molecular consequence: nonsense.
Genome position (GRCh38, 1-based): chr8:99,642,105, C>T. VCF-style: chr8-99642105-C-T. GRCh37 (hg19) VCF-style: chr8-100654333-C-T.
Other names: c.5590C>T, p.Gln1864Ter (NM_017890.5); c.5590C>T (NM_017890.3); short protein forms Q1839*, Q1864*.
Identifiers: ClinVar variation 370619 (VCV000370619.11), dbSNP rs1057516633, ClinGen allele CA16041238.